The following is an entry in ClinVar:

ClinVar aggregate classification (germline): Conflicting classifications of pathogenicity. Review status: criteria provided, conflicting classifications (1 of 4 stars). 3 submissions from 3 submitters: Likely pathogenic (1); Uncertain significance (2). Last evaluated 2026-10-01.

Conditions:
PLA2G6-associated neurodegeneration (PLAN). Also called: phospholipase A2-associated neurodegeneration. Identifiers: Orphanet 329303, MedGen CN204472, MONDO:0017998.

Allele frequency attached by ClinVar (database versions not stated): ExAC 0.00001.
gnomAD v4.1: 53 of 1,607,278 alleles (0.0033%); highest among the groups gnomAD compares: Non-Finnish European, 0.0043%; no homozygotes.

Submissions (3):

CeGaT Center for Human Genetics Tuebingen
Classification: Uncertain significance. Last evaluated: 2026-10-01. Review status: criteria provided, single submitter. Criteria: CeGaT Center For Human Genetics Tuebingen Variant Classification Criteria Version 2. Collection method: clinical testing. Allele origin: germline. Affected: yes. Observed: 1 variant allele.
Comment: PLA2G6: PM2, PM3, PP3

GeneDx
Classification: Likely pathogenic. Last evaluated: 2026-04-09. Review status: criteria provided, single submitter. Criteria: GeneDx Variant Classification Process June 2021. Collection method: clinical testing. Allele origin: germline.
Comment: Reported along with a second variant in the PLA2G6 gene in a patient with juvenile onset neuroaxonal dystrophy in the published literature; however, segregation information was not provided (PMID: 20619503); Not observed at significant frequency in large population cohorts (gnomAD); In silico analysis supports a deleterious effect on splicing; This variant is associated with the following publications: (PMID: 20669327, 20619503)

Broad Center for Mendelian Genomics, Broad Institute of MIT and Harvard
Classification: Uncertain significance for PLA2G6-associated neurodegeneration. Last evaluated: 2023-01-24. Review status: criteria provided, single submitter. Criteria: ACMG Guidelines, 2015. Collection method: curation. Allele origin: germline. Inheritance: Autosomal recessive inheritance.
Comment: The c.1078-3C>A variant in PLA2G6 has been reported in 1 individual, in the compound heterozygous state, with PLA2G6-associated neurodegeneration (PMID: 20619503) and has been identified in 0.004% (1/24958) of African/African American chromosomes by the Genome Aggregation Database (gnomAD; dbSNP ID: rs746666741). Although this variant has been seen in the general population in a heterozygous state, its frequency is low enough to be consistent with a recessive carrier frequency. This variant is located in the 5' splice region. Computational tools do suggest an impact to splicing. However, this information is not predictive enough to determine pathogenicity. In summary, the clinical significance of the c.1078-3C>A variant is uncertain. ACMG/AMP Criteria applied: PP3, PM2_supporting, PM3_supporting (Richards 2015).

NM_003560.4(PLA2G6):c.1078-3C>A

Gene: PLA2G6 (phospholipase A2 group VI; minus strand). Cytogenetic location: 22q13.1.
Variant type: single nucleotide variant.
Coding change: c.1078-3C>A on transcript NM_003560.4 (MANE Select); 3 bases into the intron before coding-DNA position 1078, C replaced by A.
Molecular consequence: intron variant.
Genome position (GRCh38, 1-based): chr22:38,129,565, G>T on the plus strand (C>A on the coding strand, the complement: PLA2G6 is on the minus strand). VCF-style: chr22-38129565-G-T. GRCh37 (hg19) VCF-style: chr22-38525572-G-T.
Other names: NM_001004426.3:c.1078-3C>A; c.400-3C>A (NM_001349868.2); c.1078-3C>A (NM_001349866.2, NM_001199562.3, NM_001349865.2 and 2 more transcripts); c.544-3C>A (NM_001349869.2, NM_001349867.2).
Identifiers: ClinVar variation 2412650 (VCV002412650.3), dbSNP rs746666741, ClinGen allele CA10231025.